The following is an entry in ClinVar:

ClinVar aggregate classification (germline): Uncertain significance (1 of 4 stars; one submission).

Conditions:
Bethlem myopathy 2 (BTHLM2). Identifiers: Orphanet 536516, Orphanet 610, MedGen C4225313, MONDO:0034022, OMIM 616471.
Ullrich congenital muscular dystrophy 2 (UCMD2). Identifiers: Orphanet 75840, MedGen C4225314, MONDO:0014654, OMIM 616470.

gnomAD v4.1: 3 of 1,612,722 alleles (0.00019%); highest among the groups gnomAD compares: Non-Finnish European, 0.00017%; no homozygotes.

Submission:

Labcorp Genetics (formerly Invitae), Labcorp
Classification: Uncertain significance for Bethlem myopathy 2; Ullrich congenital muscular dystrophy 2. Last evaluated: 2025-12-03. Review status: criteria provided, single submitter. Criteria: Invitae Variant Classification Sherloc (09022015). Collection method: clinical testing. Allele origin: germline.
Comment: This sequence change replaces valine, which is neutral and non-polar, with isoleucine, which is neutral and non-polar, at codon 269 of the COL12A1 protein (p.Val269Ile). This variant is not present in population databases (gnomAD no frequency). This variant has not been reported in the literature in individuals affected with COL12A1-related conditions. Invitae Evidence Modeling of protein sequence and biophysical properties (such as structural, functional, and spatial information, amino acid conservation, physicochemical variation, residue mobility, and thermodynamic stability) has been performed for this missense variant. However, the output from this modeling did not meet the statistical confidence thresholds required to predict the impact of this variant on COL12A1 protein function. In summary, the available evidence is currently insufficient to determine the role of this variant in disease. Therefore, it has been classified as a Variant of Uncertain Significance.

NM_004370.6(COL12A1):c.805G>A (p.Val269Ile)

Gene: COL12A1 (collagen type XII alpha 1 chain; minus strand). Cytogenetic location: 6q13.
Variant type: single nucleotide variant.
Coding change: c.805G>A on transcript NM_004370.6 (MANE Select); coding-DNA position 805, G replaced by A.
Protein change: p.Val269Ile; replaces valine 269 with isoleucine.
Molecular consequence: missense variant. On other transcripts: intron variant (2).
Genome position (GRCh38, 1-based): chr6:75,189,235, C>T on the plus strand (G>A on the coding strand, the complement: COL12A1 is on the minus strand). VCF-style: chr6-75189235-C-T. GRCh37 (hg19) VCF-style: chr6-75898951-C-T.
Other names: c.805G>A, p.Val269Ile (NM_001424113.1, NM_001424114.1, NM_001424115.1); c.73+13485G>A (NM_001424116.1, NM_080645.3); short protein forms V269I.
Identifiers: ClinVar variation 4792038 (VCV004792038.1).